The following is an entry in ClinVar:

ClinVar aggregate classification (germline): Likely benign (1 of 4 stars; one submission).

gnomAD v4.1: 139 of 1,613,992 alleles (0.0086%); highest among the groups gnomAD compares: South Asian, 0.04%; 2 homozygotes.

Submission:

CeGaT Center for Human Genetics Tuebingen
Classification: Likely benign. Last evaluated: 2026-02-01. Review status: criteria provided, single submitter. Criteria: CeGaT Center For Human Genetics Tuebingen Variant Classification Criteria Version 2. Collection method: clinical testing. Allele origin: germline. Affected: yes. Observed: 1 variant allele.
Comment: BAZ2B: BS2

NM_013450.4(BAZ2B):c.2708T>A (p.Leu903His)

Gene: BAZ2B (bromodomain adjacent to zinc finger domain 2B; minus strand). Cytogenetic location: 2q24.2.
Variant type: single nucleotide variant.
Coding change: c.2708T>A on transcript NM_013450.4 (MANE Select); coding-DNA position 2708, T replaced by A.
Protein change: p.Leu903His; replaces leucine 903 with histidine.
Molecular consequence: missense variant.
Genome position (GRCh38, 1-based): chr2:159,405,084, A>T on the plus strand (T>A on the coding strand, the complement: BAZ2B is on the minus strand). VCF-style: chr2-159405084-A-T. GRCh37 (hg19) VCF-style: chr2-160261595-A-T.
Other names: c.2600T>A, p.Leu867His (NM_001289975.1); c.2519T>A, p.Leu840His (NM_001329857.2); c.2606T>A, p.Leu869His (NM_001329858.2); short protein forms L840H, L867H, L869H, L903H.
Identifiers: ClinVar variation 4821176 (VCV004821176.4).